The following is an entry in ClinVar:

ClinVar aggregate classification (germline): Uncertain significance (1 of 4 stars; one submission).

Submission:

GeneDx
Classification: Uncertain significance. Last evaluated: 2019-05-29. Review status: criteria provided, single submitter. Criteria: GeneDx Variant Classification Process June 2021. Collection method: clinical testing. Allele origin: germline. Affected: yes.
Comment: Not observed in large population cohorts (Lek et al., 2016); In silico analysis, which includes protein predictors and evolutionary conservation, supports a deleterious effect; Has not been previously published as pathogenic or benign to our knowledge

NM_000834.5(GRIN2B):c.365_366delinsTG (p.Pro122Leu)

Gene: GRIN2B (glutamate ionotropic receptor NMDA type subunit 2B; minus strand). Cytogenetic location: 12p13.1.
Variant type: Indel.
Coding change: c.365_366delinsTG on transcript NM_000834.5 (MANE Select); coding-DNA positions 365 to 366, CC replaced by TG.
Protein change: p.Pro122Leu; replaces proline 122 with leucine.
Molecular consequence: missense variant.
Genome position (GRCh38, 1-based): chr12:13,865,843-13,865,844, GG replaced by CA on the plus strand (CC replaced by TG on the coding strand, the reverse complement: GRIN2B is on the minus strand). VCF-style: chr12-13865843-GG-CA. GRCh37 (hg19) VCF-style: chr12-14018777-GG-CA.
Other names: short protein forms P122L.
Identifiers: ClinVar variation 1302119 (VCV001302119.2), dbSNP rs2136746928, ClinGen allele CA2573053637.